The following is an entry in ClinVar:

ClinVar aggregate classification (germline): Uncertain significance (1 of 4 stars; one submission).

Submission:

Labcorp Genetics (formerly Invitae), Labcorp
Classification: Uncertain significance. Last evaluated: 2025-01-06. Review status: criteria provided, single submitter. Criteria: Invitae Variant Classification Sherloc (09022015). Collection method: clinical testing. Allele origin: germline.
Comment: This sequence change replaces glycine, which is neutral and non-polar, with glutamic acid, which is acidic and polar, at codon 260 of the RBP3 protein (p.Gly260Glu). This variant is not present in population databases (gnomAD no frequency). This variant has not been reported in the literature in individuals affected with RBP3-related conditions. ClinVar contains an entry for this variant (Variation ID: 957474). Invitae Evidence Modeling of protein sequence and biophysical properties (such as structural, functional, and spatial information, amino acid conservation, physicochemical variation, residue mobility, and thermodynamic stability) indicates that this missense variant is not expected to disrupt RBP3 protein function with a negative predictive value of 80%. In summary, the available evidence is currently insufficient to determine the role of this variant in disease. Therefore, it has been classified as a Variant of Uncertain Significance.

NM_002900.3(RBP3):c.779G>A (p.Gly260Glu)

Gene: RBP3 (retinol binding protein 3; plus strand). Cytogenetic location: 10q11.22.
Variant type: single nucleotide variant.
Coding change: c.779G>A on transcript NM_002900.3 (MANE Select); coding-DNA position 779, G replaced by A.
Protein change: p.Gly260Glu; replaces glycine 260 with glutamic acid.
Molecular consequence: missense variant.
Genome position (GRCh38, 1-based): chr10:47,349,263, G>A. VCF-style: chr10-47349263-G-A. GRCh37 (hg19) VCF-style: chr10-48390099-C-T.
Other names: short protein forms G260E.
Identifiers: ClinVar variation 957474 (VCV000957474.9), dbSNP rs1836908110, ClinGen allele CA376666499.